The following is an entry in ClinVar:

NM_000222.3(KIT):c.2346C>T (p.Phe782=)

Gene: KIT (KIT proto-oncogene, receptor tyrosine kinase; plus strand). Cytogenetic location: 4q12.
Variant type: single nucleotide variant.
Coding change: c.2346C>T on transcript NM_000222.3 (MANE Select); coding-DNA position 2346, C replaced by T.
Protein change: p.Phe782=; no amino-acid change (phenylalanine 782 retained).
Molecular consequence: synonymous variant.
Genome position (GRCh38, 1-based): chr4:54,731,983, C>T. VCF-style: chr4-54731983-C-T. GRCh37 (hg19) VCF-style: chr4-55598149-C-T.
Other names: c.2337C>T, p.Phe779= (NM_001385288.1); c.2346C>T, p.Phe782= (NM_001385290.1); c.2334C>T, p.Phe778= (NM_001385292.1, NM_001093772.2); c.2349C>T, p.Phe783= (NM_001385284.1); c.2343C>T, p.Phe781= (NM_001385285.1); c.2331C>T, p.Phe777= (NM_001385286.1).
Identifiers: ClinVar variation 4875983 (VCV004875983.1).

ClinVar aggregate classification (germline): Benign (1 of 4 stars; one submission).

Conditions:
Gastrointestinal stromal tumor. Also called: Gastrointestinal stromal tumor, somatic; Gastrointestinal stroma tumor. Identifiers: Orphanet 44890, MedGen C0238198, MeSH D046152, MONDO:0011719, OMIM 606764, HP:0100723.

Submission:

Myriad Genetics, Inc.
Classification: Benign for Gastrointestinal stromal tumor. Last evaluated: 2026-06-04. Review status: criteria provided, single submitter. Criteria: Myriad Autosomal Dominant, Autosomal Recessive and X-Linked Classification Criteria (2023). Collection method: clinical testing. Allele origin: unknown.
Comment: This variant is considered benign. This variant is a silent/synonymous amino acid change and it is not expected to impact splicing.